The following is an entry in ClinVar:

ClinVar aggregate classification (germline): Likely pathogenic (1 of 4 stars; one submission).

Submission:

GeneDx
Classification: Likely pathogenic. Last evaluated: 2022-05-27. Review status: criteria provided, single submitter. Criteria: GeneDx Variant Classification Process June 2021. Collection method: clinical testing. Allele origin: germline. Affected: yes.
Comment: Not observed at significant frequency in large population cohorts (gnomAD); Missense variants in this gene are often considered pathogenic (HGMD); In silico analysis supports that this missense variant has a deleterious effect on protein structure/function; Has not been previously published as pathogenic or benign to our knowledge

NM_001614.5(ACTG1):c.824A>T (p.His275Leu)

Gene: ACTG1 (actin gamma 1; minus strand). Cytogenetic location: 17q25.3.
Variant type: single nucleotide variant.
Coding change: c.824A>T on transcript NM_001614.5 (MANE Select); coding-DNA position 824, A replaced by T.
Protein change: p.His275Leu; replaces histidine 275 with leucine.
Molecular consequence: missense variant. On other transcripts: non-coding transcript variant (1).
Genome position (GRCh38, 1-based): chr17:81,511,087, T>A on the plus strand (A>T on the coding strand, the complement: ACTG1 is on the minus strand). VCF-style: chr17-81511087-T-A. GRCh37 (hg19) VCF-style: chr17-79478113-T-A.
Other names: c.824A>T, p.His275Leu (NM_001199954.3); short protein forms H275L.
Identifiers: ClinVar variation 1687657 (VCV001687657.2), dbSNP rs2143775813, ClinGen allele CA401459443.